The following is an entry in ClinVar:

ClinVar aggregate classification (germline): Likely pathogenic (1 of 4 stars; one submission).

Conditions:
LAMA2-related muscular dystrophy (LAMA2-RD). Also called: Laminin alpha 2-related dystrophy. Identifiers: MedGen C5679788, MONDO:0100228.

Submission:

Labcorp Genetics (formerly Invitae), Labcorp
Classification: Likely pathogenic for LAMA2-related muscular dystrophy. Last evaluated: 2023-01-14. Review status: criteria provided, single submitter. Criteria: Invitae Variant Classification Sherloc (09022015). Collection method: clinical testing. Allele origin: germline.
Comment: This sequence change affects a donor splice site in intron 20 of the LAMA2 gene. It is expected to disrupt RNA splicing. Variants that disrupt the donor or acceptor splice site typically lead to a loss of protein function (PMID: 16199547), and loss-of-function variants in LAMA2 are known to be pathogenic (PMID: 18700894, 32904964). This variant is not present in population databases (gnomAD no frequency). This variant has not been reported in the literature in individuals affected with LAMA2-related conditions. Algorithms developed to predict the effect of sequence changes on RNA splicing suggest that this variant may disrupt the consensus splice site. In summary, the currently available evidence indicates that the variant is pathogenic, but additional data are needed to prove that conclusively. Therefore, this variant has been classified as Likely Pathogenic.

Literature cited by the submitters: PubMed 16199547; PubMed 18700894; PubMed 32904964.

NM_000426.4(LAMA2):c.2856+2T>C

Gene: LAMA2 (laminin subunit alpha 2; plus strand). Cytogenetic location: 6q22.33.
Variant type: single nucleotide variant.
Coding change: c.2856+2T>C on transcript NM_000426.4 (MANE Select); the canonical splice donor site of the intron after coding-DNA position 2856, T replaced by C.
Molecular consequence: splice donor variant.
Genome position (GRCh38, 1-based): chr6:129,291,722, T>C. VCF-style: chr6-129291722-T-C. GRCh37 (hg19) VCF-style: chr6-129612867-T-C.
Other names: c.2856+2T>C (NM_001079823.2).
Identifiers: ClinVar variation 2828595 (VCV002828595.3), dbSNP rs2482308835, ClinGen allele CA365610902.